The following is an entry in ClinVar:

ClinVar aggregate classification (germline): Pathogenic (1 of 4 stars; one submission).

Conditions:
Hereditary cancer-predisposing syndrome. Also called: Neoplastic Syndromes, Hereditary; Tumor predisposition; Hereditary Cancer Syndrome; Hereditary neoplastic syndrome. Identifiers: Orphanet 140162, MedGen C0027672, MeSH D009386, MONDO:0015356.

Submission:

Labcorp Genetics (formerly Invitae), Labcorp
Classification: Pathogenic for Hereditary cancer-predisposing syndrome. Last evaluated: 2021-12-08. Review status: criteria provided, single submitter. Criteria: Invitae Variant Classification Sherloc (09022015). Collection method: clinical testing. Allele origin: germline.
Comment: For these reasons, this variant has been classified as Pathogenic. This variant has not been reported in the literature in individuals affected with RAD50-related conditions. This variant is a gross deletion of the genomic region encompassing exon(s) 14-16 of the RAD50 gene. This deletion is out-of-frame, and is expected to create a premature termination codon and result in an absent or disrupted protein product. Loss-of-function variants in RAD50 are known to be pathogenic (PMID: 19409520).

Literature cited by the submitters: PubMed 19409520.

NC_000005.10:g.(?_132603294)_(132605005_?)del

Gene: RAD50 (RAD50 double strand break repair protein; plus strand). Cytogenetic location: 5q31.1.
Variant type: Deletion.
Identifiers: ClinVar variation 457358 (VCV000457358.5).